The following is an entry in ClinVar:

NM_001267550.2(TTN):c.13201del (p.Arg4401fs)

Gene: TTN (titin; minus strand). Cytogenetic location: 2q31.2.
Variant type: Deletion.
Coding change: c.13201del on transcript NM_001267550.2 (MANE Select); coding-DNA position 13201, one base deleted (C; older notation c.13201delC).
Protein change: p.Arg4401fs; shifts the reading frame from arginine 4401.
Molecular consequence: frameshift variant. On other transcripts: intron variant (1).
Genome position (GRCh38, 1-based): chr2:178,740,032, G deleted on the plus strand (C on the coding strand, the reverse complement: TTN is on the minus strand); the first of 2 consecutive G bases (chr2:178,740,032-178,740,033); deleting either gives the same sequence. VCF-style (leftmost placement, unchanged base first): chr2-178740031-CG-C. GRCh37 (hg19) VCF-style: chr2-179604758-CG-C.
Other names: c.12250del, p.Arg4084fs (NM_001256850.1); c.12112del, p.Arg4038fs (NM_003319.4); c.12487del, p.Arg4163fs (NM_133432.3); c.12688del, p.Arg4230fs (NM_133437.4); c.10361-1672del (NM_133378.4); short protein forms R4230fs, R4401fs, R4084fs, R4038fs, R4163fs.
Identifiers: ClinVar variation 2949383 (VCV002949383.3), dbSNP rs1174490072, ClinGen allele CA761302376.

ClinVar aggregate classification (germline): Likely pathogenic (1 of 4 stars; one submission).

Conditions:
Dilated cardiomyopathy 1G (CMD1G). Identifiers: Orphanet 154, MedGen C1858763, MONDO:0011400, OMIM 604145.
Autosomal recessive limb-girdle muscular dystrophy type 2J (LGMDR10). Also called: Limb-girdle muscular dystrophy, type 2J; MUSCULAR DYSTROPHY, LIMB-GIRDLE, AUTOSOMAL RECESSIVE 10. Identifiers: Orphanet 140922, MedGen C1837342, MONDO:0012127, OMIM 608807.

Submission:

Labcorp Genetics (formerly Invitae), Labcorp
Classification: Likely pathogenic for Dilated cardiomyopathy 1G; Autosomal recessive limb-girdle muscular dystrophy type 2J. Last evaluated: 2024-10-18. Review status: criteria provided, single submitter. Criteria: Invitae Variant Classification Sherloc (09022015). Collection method: clinical testing. Allele origin: germline.
Comment: This sequence change creates a premature translational stop signal (p.Arg4401Glyfs*19) in the TTN gene. While this is not anticipated to result in nonsense mediated decay, it is expected to create a truncated TTN protein. This variant is not present in population databases (gnomAD no frequency). This variant has not been reported in the literature in individuals affected with TTN-related conditions. This variant is located in the I band of TTN (PMID: 25589632). Truncating variants in this region have been reported in individuals affected with autosomal recessive centronuclear myopathy (PMID: 23975875, internal data). Truncating variants in this region have also been identified in individuals affected with autosomal dominant dilated cardiomyopathy and/or cardio-related conditions (PMID: 27869827, 32964742, internal data). In summary, the currently available evidence indicates that the variant is pathogenic, but additional data are needed to prove that conclusively. Therefore, this variant has been classified as Likely Pathogenic.

Literature cited by the submitters: PubMed 25589632; PubMed 23975875; PubMed 27869827; PubMed 32964742.